The following is an entry in ClinVar:

ClinVar aggregate classification (germline): Uncertain significance (1 of 4 stars; one submission).

Allele frequency attached by ClinVar (database versions not stated): gnomAD exomes below 0.00001; ExAC 0.00001.
gnomAD v4.1: 6 of 1,613,962 alleles (0.00037%); highest among the groups gnomAD compares: Admixed American, 0.0017%; no homozygotes.

Submission:

Labcorp Genetics (formerly Invitae), Labcorp
Classification: Uncertain significance. Last evaluated: 2020-10-02. Review status: criteria provided, single submitter. Criteria: Invitae Variant Classification Sherloc (09022015). Collection method: clinical testing. Allele origin: germline.
Comment: This sequence change replaces aspartic acid with glycine at codon 2871 of the COL7A1 protein (p.Asp2871Gly). The aspartic acid residue is weakly conserved and there is a moderate physicochemical difference between aspartic acid and glycine. The frequency data for this variant in the population databases is considered unreliable, as metrics indicate poor data quality at this position in the ExAC database. This variant has not been reported in the literature in individuals with COL7A1-related conditions. Advanced modeling of protein sequence and biophysical properties (such as structural, functional, and spatial information, amino acid conservation, physicochemical variation, residue mobility, and thermodynamic stability) performed at Invitae indicates that this missense variant is not expected to disrupt COL7A1 protein function. In summary, the available evidence is currently insufficient to determine the role of this variant in disease. Therefore, it has been classified as a Variant of Uncertain Significance.

NM_000094.4(COL7A1):c.8612A>G (p.Asp2871Gly)

Gene: COL7A1 (collagen type VII alpha 1 chain; minus strand). Cytogenetic location: 3p21.31.
Variant type: single nucleotide variant.
Coding change: c.8612A>G on transcript NM_000094.4 (MANE Select); coding-DNA position 8612, A replaced by G.
Protein change: p.Asp2871Gly; replaces aspartic acid 2871 with glycine.
Molecular consequence: missense variant.
Genome position (GRCh38, 1-based): chr3:48,565,117, T>C on the plus strand (A>G on the coding strand, the complement: COL7A1 is on the minus strand). VCF-style: chr3-48565117-T-C. GRCh37 (hg19) VCF-style: chr3-48602550-T-C.
Other names: short protein forms D2871G.
Identifiers: ClinVar variation 1896977 (VCV001896977.2), dbSNP rs778969774, ClinGen allele CA2377929.
Genomic context (GRCh38, chr3:48,565,117, plus strand): 5'-CTCAGCCCTGCCTGCCCCTCCCCAGACCCCGCTGGCAGCCCCCCATTCTCACCATCACTA[T>C]CCCAAGGAGCTTCAGGGTCCTGGTACTCCTCCACAGAATACTCGGAGTATTCAGAGTACT-3'
Protein context (NP_000085.1, residues 2861-2881): EEYQDPEAPW[Asp2871Gly]SDDPCSLPLD